The following is an entry in ClinVar:

NM_198053.3(CD247):c.59-176G>A

Gene: CD247 (CD247 molecule; minus strand). Cytogenetic location: 1q24.2.
Variant type: single nucleotide variant.
Coding change: c.59-176G>A on transcript NM_198053.3 (MANE Select); 176 bases into the intron before coding-DNA position 59, G replaced by A.
Molecular consequence: intron variant.
Genome position (GRCh38, 1-based): chr1:167,440,943, C>T on the plus strand (G>A on the coding strand, the complement: CD247 is on the minus strand). VCF-style: chr1-167440943-C-T. GRCh37 (hg19) VCF-style: chr1-167410180-C-T.
Other names: c.59-176G>A (NM_000734.4); c.152-176G>A (NM_001378516.1, NM_001378515.1).
Identifiers: ClinVar variation 1706749 (VCV001706749.2), dbSNP rs75534980, ClinGen allele CA31993054.
Genomic context (GRCh38, chr1:167,440,943, plus strand): 5'-TCCAATCCCCATGCCTCAGCCTGATCACAACCCTCTCCCTCCCTCCCACCTCAACCAGCT[C>T]CTGGAAAACCTATTGGCACCAACGGCAGATGTGGCCGCTGTGGGGCCAAAGAACCTGGGG-3'

ClinVar aggregate classification (germline): Likely benign (1 of 4 stars; one submission).

Allele frequency attached by ClinVar (database versions not stated): 1000 Genomes Project 30x 0.00359; 1000 Genomes Project 0.00379; TOPMed 0.01175; gnomAD 0.01276.
gnomAD v4.1: 2,007 of 152,320 alleles (1.3%); highest among the groups gnomAD compares: Non-Finnish European, 2%; 33 homozygotes.

Submission:

GeneDx
Classification: Likely benign. Last evaluated: 2019-01-20. Review status: criteria provided, single submitter. Criteria: GeneDx Variant Classification Process June 2021. Collection method: clinical testing. Allele origin: germline. Affected: yes.
Comment: See Variant Classification Assertion Criteria.